The following is an entry in ClinVar:

ClinVar aggregate classification (germline): Uncertain significance (1 of 4 stars; one submission).

Conditions:
Anauxetic dysplasia. Identifiers: Orphanet 93347, MedGen C1846796, MONDO:0011773.

Allele frequency attached by ClinVar (database versions not stated): TOPMed 0.00011; gnomAD 0.00013.

Submission:

Labcorp Genetics (formerly Invitae), Labcorp
Classification: Uncertain significance for Anauxetic dysplasia. Last evaluated: 2024-10-14. Review status: criteria provided, single submitter. Criteria: Invitae Variant Classification Sherloc (09022015). Collection method: clinical testing. Allele origin: germline.
Comment: This variant occurs in the RMRP gene, which encodes an RNA molecule that does not result in a protein product. This variant is present in population databases (no rsID available, gnomAD 0.06%). This variant has not been reported in the literature in individuals affected with RMRP-related conditions. Experimental studies and prediction algorithms are not available or were not evaluated, and the functional significance of this variant is currently unknown. In summary, the available evidence is currently insufficient to determine the role of this variant in disease. Therefore, it has been classified as a Variant of Uncertain Significance.

NC_000009.12:g.35657742G>A

Gene: RMRP (RNA component of mitochondrial RNA processing endoribonuclease; minus strand). Cytogenetic location: 9p13.3.
Variant type: single nucleotide variant.
Genome position: GRCh38 VCF-style: chr9-35657742-G-A. GRCh37 (hg19) VCF-style: chr9-35657739-G-A.
Identifiers: ClinVar variation 2139611 (VCV002139611.2), dbSNP rs1033305693, ClinGen allele CA192745514.